The following is an entry in ClinVar:

NM_012414.4(RAB3GAP2):c.812-420G>A

Gene: RAB3GAP2 (RAB3 GTPase activating non-catalytic protein subunit 2; minus strand). Cytogenetic location: 1q41.
Variant type: single nucleotide variant.
Coding change: c.812-420G>A on transcript NM_012414.4 (MANE Select); 420 bases into the intron before coding-DNA position 812, G replaced by A.
Molecular consequence: intron variant.
Genome position (GRCh38, 1-based): chr1:220,196,818, C>T on the plus strand (G>A on the coding strand, the complement: RAB3GAP2 is on the minus strand). VCF-style: chr1-220196818-C-T. GRCh37 (hg19) VCF-style: chr1-220370160-C-T.
Identifiers: ClinVar variation 4534666 (VCV004534666.6).

ClinVar aggregate classification (germline): Likely benign (1 of 4 stars; one submission).

gnomAD v4.1: 112 of 151,180 alleles (0.074%); highest among the groups gnomAD compares: African/African-American, 0.26%; no homozygotes.

Submission:

CeGaT Center for Human Genetics Tuebingen
Classification: Likely benign. Last evaluated: 2026-03-01. Review status: criteria provided, single submitter. Criteria: CeGaT Center For Human Genetics Tuebingen Variant Classification Criteria Version 2. Collection method: clinical testing. Allele origin: germline. Affected: yes. Observed: 2 variant alleles.
Comment: RAB3GAP2: BP4, BP7